The following is an entry in ClinVar:

ClinVar aggregate classification (germline): Conflicting classifications of pathogenicity. Review status: criteria provided, conflicting classifications (1 of 4 stars). 4 submissions from 4 submitters: Uncertain significance (1); Likely benign (3). Last evaluated 2025-12-15.

Conditions:
Bethlem myopathy 1A. Also called: MYOPATHY, BENIGN CONGENITAL, WITH CONTRACTURES; Bethlem myopathy 1; Bethlem Muscular Dystrophy. Identifiers: Orphanet 610, MedGen CN029274, MONDO:0024530, OMIM 158810.

Allele frequency attached by ClinVar (database versions not stated): gnomAD exomes 0.00003 and 0.00004; ExAC 0.00005; gnomAD 0.00020 and 0.00025; TOPMed 0.00020; ESP Exome Variant Server 0.00023.
gnomAD v4.1: 67 of 1,613,968 alleles (0.0042%); highest among the groups gnomAD compares: African/African-American, 0.088%; no homozygotes.

Submissions (4):

Labcorp Genetics (formerly Invitae), Labcorp
Classification: Likely benign for Bethlem myopathy 1A. Last evaluated: 2025-12-15. Review status: criteria provided, single submitter. Criteria: Invitae Variant Classification Sherloc (09022015). Collection method: clinical testing. Allele origin: germline.

Mayo Clinic Laboratories, Mayo Clinic
Classification: Likely benign. Last evaluated: 2025-05-27. Review status: criteria provided, single submitter. Criteria: ACMG Guidelines, 2015. Collection method: clinical testing. Allele origin: germline. Observed: 1 variant allele.
Comment: BP4, BP7

Eurofins Ntd Llc (ga)
Classification: Uncertain significance. Last evaluated: 2016-11-10. Review status: criteria provided, single submitter. Criteria: EGL Classification Definitions 2015. Collection method: clinical testing. Allele origin: germline. Observed: 2 variant alleles, 2 heterozygotes.

GeneDx
Classification: Likely benign. Last evaluated: 2015-12-21. Review status: criteria provided, single submitter. Criteria: GeneDx Variant Classification (06012015). Collection method: clinical testing. Allele origin: germline. Affected: yes.
Comment: This variant is considered likely benign or benign based on one or more of the following criteria: it is a conservative change, it occurs at a poorly conserved position in the protein, it is predicted to be benign by multiple in silico algorithms, and/or has population frequency not consistent with disease.

NM_004369.4(COL6A3):c.1146G>A (p.Gln382=)

Gene: COL6A3 (collagen type VI alpha 3 chain; minus strand). Cytogenetic location: 2q37.3.
Variant type: single nucleotide variant.
Coding change: c.1146G>A on transcript NM_004369.4 (MANE Select); coding-DNA position 1146, G replaced by A.
Protein change: p.Gln382=; no amino-acid change (glutamine 382 retained).
Molecular consequence: synonymous variant. On other transcripts: intron variant (2).
Genome position (GRCh38, 1-based): chr2:237,387,748, C>T on the plus strand (G>A on the coding strand, the complement: COL6A3 is on the minus strand). VCF-style: chr2-237387748-C-T. GRCh37 (hg19) VCF-style: chr2-238296391-C-T.
Other names: p.Gln382=; c.528G>A, p.Gln176= (NM_057165.5, NM_057167.4); c.92-6249G>A (NM_057166.5, NM_057164.5).
Identifiers: ClinVar variation 197234 (VCV000197234.14), dbSNP rs368800027, ClinGen allele CA245247.